The following is an entry in ClinVar:

NM_001128225.3(SLC39A13):c.398C>T (p.Thr133Met)

Gene: SLC39A13 (solute carrier family 39 member 13; plus strand). Cytogenetic location: 11p11.2.
Variant type: single nucleotide variant.
Coding change: c.398C>T on transcript NM_001128225.3 (MANE Select); coding-DNA position 398, C replaced by T.
Protein change: p.Thr133Met; replaces threonine 133 with methionine.
Molecular consequence: missense variant. On other transcripts: non-coding transcript variant (1).
Genome position (GRCh38, 1-based): chr11:47,412,022, C>T. VCF-style: chr11-47412022-C-T. GRCh37 (hg19) VCF-style: chr11-47433573-C-T.
Other names: p.Thr133Met; c.398C>T, p.Thr133Met (NM_001330245.2, NM_152264.5); short protein forms T133M.
Identifiers: ClinVar variation 196579 (VCV000196579.73), dbSNP rs140574574, ClinGen allele CA243588.

ClinVar aggregate classification (germline): Conflicting classifications of pathogenicity. Review status: criteria provided, conflicting classifications (1 of 4 stars). 13 submissions from 12 submitters: Uncertain significance (2); Benign (4); Likely benign (4). 3 of the submissions do not count toward it. Last evaluated 2026-09-01.

Conditions:
SLC39A13-related disorder. Also called: SLC39A13-related condition.
Connective tissue disorder. Also called: Connective tissue disease. Identifiers: MedGen C0009782, MONDO:0003900.
Ehlers-Danlos syndrome (EDS). Identifiers: Orphanet 98249, MedGen C0013720, MONDO:0020066.
Ehlers-Danlos syndrome, spondylodysplastic type, 3. Also called: Ehlers-Danlos syndrome, spondylocheirodysplastic type. Identifiers: Orphanet 157965, MedGen C2676510, MONDO:0012873, OMIM 612350.
Cutis laxa. Identifiers: Orphanet 209, MedGen C0010495, MONDO:0016175, HP:0000973.
Myopia. Also called: Myopia (disease). Identifiers: MedGen C0027092, MONDO:0001384, HP:0000545.
Abnormality of connective tissue. Identifiers: MedGen C4025596, HP:0003549.
Abnormality of the skeletal system. Identifiers: MedGen C4021790, HP:0000924.
Scleroderma. Identifiers: Orphanet 801, MedGen C0011644, MONDO:0019340, HP:0100324.
Mitral valve prolapse. Identifiers: MedGen C0026267, MONDO:0004910, HP:0001634.

Allele frequency attached by ClinVar (database versions not stated): 1000 Genomes Project 30x 0.00016; 1000 Genomes Project 0.00020; TOPMed 0.00215; ESP Exome Variant Server 0.00254.
gnomAD v4.1: 5,034 of 1,611,382 alleles (0.31%); highest among the groups gnomAD compares: Non-Finnish European, 0.37%; 20 homozygotes.

Submissions (13):

CeGaT Center for Human Genetics Tuebingen
Classification: Likely benign. Last evaluated: 2026-09-01. Review status: criteria provided, single submitter. Criteria: CeGaT Center For Human Genetics Tuebingen Variant Classification Criteria Version 2. Collection method: clinical testing. Allele origin: germline. Affected: yes. Observed: 23 variant alleles.
Comment: SLC39A13: BS2

Labcorp Genetics (formerly Invitae), Labcorp
Classification: Likely benign for Ehlers-Danlos syndrome, spondylodysplastic type, 3. Last evaluated: 2026-02-04. Review status: criteria provided, single submitter. Criteria: Invitae Variant Classification Sherloc (09022015). Collection method: clinical testing. Allele origin: germline.

GeneDx
Classification: Likely benign. Last evaluated: 2025-03-18. Review status: criteria provided, single submitter. Criteria: GeneDx Variant Classification Process June 2021. Collection method: clinical testing. Allele origin: germline. Affected: yes.
Comment: See Variant Classification Assertion Criteria.

Women's Health and Genetics/Laboratory Corporation of America, LabCorp
Classification: Benign. Last evaluated: 2025-01-07. Review status: criteria provided, single submitter. Criteria: LabCorp Variant Classification Summary - May 2015. Collection method: clinical testing. Allele origin: germline.
Comment: Variant summary: SLC39A13 c.398C>T (p.Thr133Met) results in a non-conservative amino acid change in the encoded protein sequence. Two of three in-silico tools predict a damaging effect of the variant on protein function. The variant allele was found at a frequency of 0.0031 in 1604598 control chromosomes in the gnomAD database (v4.1 dataset), including 20 homozygotes. The observed variant frequency is approximately 3-fold of the estimated maximal expected allele frequency for a pathogenic variant in SLC39A13 causing Ehlers-Danlos syndrome, spondylocheirodysplastic type phenotype (0.0011). To our knowledge, no occurrence of c.398C>T in individuals affected with Ehlers-Danlos syndrome, spondylocheirodysplastic type and no experimental evidence demonstrating its impact on protein function have been reported. ClinVar contains an entry for this variant (Variation ID: 196579). Based on the evidence outlined above, the variant was classified as benign.

Blueprint Genetics
Classification: Likely benign. Last evaluated: 2024-11-21. Review status: criteria provided, single submitter. Criteria: ACMG Guidelines, 2015. Collection method: clinical testing. Allele origin: germline.

Mayo Clinic Laboratories, Mayo Clinic
Classification: Benign. Last evaluated: 2023-12-20. Review status: criteria provided, single submitter. Criteria: ACMG Guidelines, 2015. Collection method: clinical testing. Allele origin: germline. Observed: 33 variant alleles.
Comment: BS1, BS2, BP4

Genome Diagnostics Laboratory, The Hospital for Sick Children
Classification: Benign for Ehlers-Danlos syndrome. Last evaluated: 2022-07-17. Review status: criteria provided, single submitter. Criteria: ACMG Guidelines, 2015. Collection method: clinical testing. Allele origin: germline.

Genome Diagnostics Laboratory, The Hospital for Sick Children
Classification: Benign for Connective tissue disorder. Last evaluated: 2022-07-17. Review status: criteria provided, single submitter. Criteria: ACMG Guidelines, 2015. Collection method: clinical testing. Allele origin: germline.

Eurofins Ntd Llc (ga)
Classification: Uncertain significance. Last evaluated: 2015-01-29. Review status: criteria provided, single submitter. Criteria: EGL Classification Definitions 2015. Collection method: clinical testing. Allele origin: germline. Observed: 2 variant alleles, 2 heterozygotes.

Centre for Mendelian Genomics, University Medical Centre Ljubljana
Classification: Uncertain significance for Abnormality of connective tissue; Abnormality of the skeletal system; Cutis laxa; Mitral valve prolapse; Myopia; Scleroderma. Last evaluated: 2014-01-10. Review status: criteria provided, single submitter. Criteria: ACMG Guidelines, 2015. Collection method: clinical testing. Allele origin: unknown. Affected: yes.

PreventionGenetics, part of Exact Sciences
Classification: Likely benign for SLC39A13-related condition. Last evaluated: 2021-08-19. Review status: no assertion criteria provided. Collection method: clinical testing. Allele origin: germline. Not counted in ClinVar's aggregate classification.
Comment: This variant is classified as likely benign based on ACMG/AMP sequence variant interpretation guidelines (Richards et al. 2015 PMID: 25741868, with internal and published modifications).

Genome Diagnostics Laboratory, Amsterdam University Medical Center
Classification: Likely benign. Review status: no assertion criteria provided. Collection method: clinical testing. Allele origin: germline. Affected: yes. Study: VKGL Data-share Consensus. Not counted in ClinVar's aggregate classification.

Laboratory of Diagnostic Genome Analysis, Leiden University Medical Center (LUMC)
Classification: Likely benign. Review status: no assertion criteria provided. Collection method: clinical testing. Allele origin: germline. Affected: yes. Study: VKGL Data-share Consensus. Not counted in ClinVar's aggregate classification.